The following is an entry in ClinVar:

NM_020366.4(RPGRIP1):c.3448G>T (p.Asp1150Tyr)

Gene: RPGRIP1 (RPGR interacting protein 1; plus strand). Cytogenetic location: 14q11.2.
Variant type: single nucleotide variant.
Coding change: c.3448G>T on transcript NM_020366.4 (MANE Select); coding-DNA position 3448, G replaced by T.
Protein change: p.Asp1150Tyr; replaces aspartic acid 1150 with tyrosine.
Molecular consequence: missense variant.
Genome position (GRCh38, 1-based): chr14:21,343,144, G>T. VCF-style: chr14-21343144-G-T. GRCh37 (hg19) VCF-style: chr14-21811303-G-T.
Other names: c.1426G>T, p.Asp476Tyr (NM_001377523.1, NM_001377950.1); c.2374G>T, p.Asp792Tyr (NM_001377948.1); c.1534G>T, p.Asp512Tyr (NM_001377949.1); c.931G>T, p.Asp311Tyr (NM_001377951.1); short protein forms D1150Y, D311Y, D476Y, D512Y, D792Y.
Identifiers: ClinVar variation 1150705 (VCV001150705.14), dbSNP rs144704092, ClinGen allele CA7089516.

ClinVar aggregate classification (germline): Conflicting classifications of pathogenicity. Review status: criteria provided, conflicting classifications (1 of 4 stars). 6 submissions from 5 submitters: Uncertain significance (2); Likely benign (4). Last evaluated 2026-01-13.

Conditions:
Leber congenital amaurosis 6 (LCA6). Identifiers: Orphanet 65, MedGen C1854260, MONDO:0013446, OMIM 613826.
Cone-rod dystrophy 13 (CORD13). Identifiers: Orphanet 1872, MedGen C2750720, MONDO:0011987, OMIM 608194.
RPGRIP1-related disorder. Also called: RPGRIP1-related condition.

Allele frequency attached by ClinVar (database versions not stated): 1000 Genomes Project 30x 0.00016; ESP Exome Variant Server 0.00082.
gnomAD v4.1: 141 of 1,613,702 alleles (0.0087%); highest among the groups gnomAD compares: African/African-American, 0.18%; no homozygotes.

Submissions (6):

Labcorp Genetics (formerly Invitae), Labcorp
Classification: Likely benign for Leber congenital amaurosis 6; Cone-rod dystrophy 13. Last evaluated: 2026-01-13. Review status: criteria provided, single submitter. Criteria: Invitae Variant Classification Sherloc (09022015). Collection method: clinical testing. Allele origin: germline.

PreventionGenetics, part of Exact Sciences
Classification: Likely benign for RPGRIP1-related condition. Last evaluated: 2025-02-06. Review status: criteria provided, single submitter. Criteria: ACMG Guidelines, 2015. Collection method: clinical testing. Allele origin: germline.
Comment: This variant is classified as likely benign based on ACMG/AMP sequence variant interpretation guidelines (Richards et al. 2015 PMID: 25741868, with internal and published modifications).

Blueprint Genetics
Classification: Uncertain significance. Last evaluated: 2024-11-25. Review status: criteria provided, single submitter. Criteria: ACMG Guidelines, 2015. Collection method: clinical testing. Allele origin: germline.

Genome-Nilou Lab
Classification: Likely benign for Leber congenital amaurosis 6. Last evaluated: 2021-11-07. Review status: criteria provided, single submitter. Criteria: ACMG Guidelines, 2015. Collection method: clinical testing. Allele origin: germline. Affected: no.

Genome-Nilou Lab
Classification: Likely benign for Cone-rod dystrophy 13. Last evaluated: 2021-11-07. Review status: criteria provided, single submitter. Criteria: ACMG Guidelines, 2015. Collection method: clinical testing. Allele origin: germline. Affected: no.

GeneDx
Classification: Uncertain significance. Last evaluated: 2020-02-03. Review status: criteria provided, single submitter. Criteria: GeneDx Variant Classification Process June 2021. Collection method: clinical testing. Allele origin: germline. Affected: yes.
Comment: In silico analysis supports that this missense variant has a deleterious effect on protein structure/function; Has not been previously published as pathogenic or benign to our knowledge